The following is an entry in ClinVar:

NM_000528.4(MAN2B1):c.1889delinsCAC (p.Asn630fs)

Gene: MAN2B1 (mannosidase alpha class 2B member 1; minus strand). Cytogenetic location: 19p13.13.
Variant type: Indel.
Coding change: c.1889delinsCAC on transcript NM_000528.4 (MANE Select); coding-DNA position 1889, A replaced by CAC.
Protein change: p.Asn630fs; shifts the reading frame from asparagine 630.
Molecular consequence: frameshift variant.
Genome position (GRCh38, 1-based): chr19:12,652,402, T replaced by GTG on the plus strand (A replaced by CAC on the coding strand, the reverse complement: MAN2B1 is on the minus strand). VCF-style: chr19-12652402-T-GTG. GRCh37 (hg19) VCF-style: chr19-12763216-T-GTG.
Other names: c.1886delinsCAC, p.Asn629fs (NM_001173498.2); short protein forms N629fs, N630fs.
Identifiers: ClinVar variation 1725677 (VCV001725677.2), dbSNP rs2512493071, ClinGen allele CA2580096701.
Genomic context (GRCh38, chr19:12,652,402, plus strand): 5'-GGCCTGGTGATCTTCCCTTACCAGAAGAAGGTCTGGCGAACAGGCAGCAGGAGTTGCTGA[T>GTG]TCATGTTCATAATCTCCATCAACAGCCCTGTGTCAGGATCAAACGTTGCCCGGATGTGCT-3'

ClinVar aggregate classification (germline): Likely pathogenic (1 of 4 stars; one submission).

Conditions:
Deficiency of alpha-mannosidase (MANSA). Also called: Mannosidosis, alpha-, types I and II; LYSOSOMAL ALPHA-D-MANNOSIDASE DEFICIENCY; Alpha-Mannosidosis. Identifiers: Orphanet 61, MedGen C0024748, MONDO:0009561, OMIM 248500.

Submission:

Myriad Genetics, Inc.
Classification: Likely pathogenic for Deficiency of alpha-mannosidase. Last evaluated: 2022-03-31. Review status: criteria provided, single submitter. Criteria: Myriad Women's Health Autosomal Recessive and X-Linked Classification Criteria (2021). Collection method: clinical testing. Allele origin: unknown.
Comment: NM_000528.3(MAN2B1):c.1889delAinsCAC(N630Tfs*20) is expected to be pathogenic in the context of alpha-mannosidosis. This variant is predicted to lead to an abnormal or absent protein product due to the creation of a premature termination codon in MAN2B1, a gene where loss-of-function variants are known to be pathogenic. Please note: this variant was assessed in the context of healthy population screening.